The following is an entry in ClinVar:

ClinVar aggregate classification (germline): Uncertain significance (1 of 4 stars; one submission).

Conditions:
Joubert syndrome 15 (JBTS15). Identifiers: Orphanet 475, MedGen C3280897, MONDO:0013763, OMIM 614464.

Allele frequency attached by ClinVar (database versions not stated): gnomAD exomes below 0.00001.
gnomAD v4.1: 1 of 1,613,778 alleles (0.000062%); highest among the groups gnomAD compares: Non-Finnish European, 0.000085%; no homozygotes.

Submission:

Labcorp Genetics (formerly Invitae), Labcorp
Classification: Uncertain significance for Joubert syndrome 15. Last evaluated: 2022-11-28. Review status: criteria provided, single submitter. Criteria: Invitae Variant Classification Sherloc (09022015). Collection method: clinical testing. Allele origin: germline.
Comment: Advanced modeling of protein sequence and biophysical properties (such as structural, functional, and spatial information, amino acid conservation, physicochemical variation, residue mobility, and thermodynamic stability) performed at Invitae indicates that this missense variant is not expected to disrupt CEP41 protein function. In summary, the available evidence is currently insufficient to determine the role of this variant in disease. Therefore, it has been classified as a Variant of Uncertain Significance. This sequence change replaces glutamine, which is neutral and polar, with proline, which is neutral and non-polar, at codon 124 of the CEP41 protein (p.Gln124Pro). This variant is not present in population databases (gnomAD no frequency). This variant has not been reported in the literature in individuals affected with CEP41-related conditions.

NM_018718.3(CEP41):c.371A>C (p.Gln124Pro)

Gene: CEP41 (centrosomal protein 41; minus strand). Cytogenetic location: 7q32.2.
Variant type: single nucleotide variant.
Coding change: c.371A>C on transcript NM_018718.3 (MANE Select); coding-DNA position 371, A replaced by C.
Protein change: p.Gln124Pro; replaces glutamine 124 with proline.
Molecular consequence: missense variant.
Genome position (GRCh38, 1-based): chr7:130,404,615, T>G on the plus strand (A>C on the coding strand, the complement: CEP41 is on the minus strand). VCF-style: chr7-130404615-T-G. GRCh37 (hg19) VCF-style: chr7-130044456-T-G.
Other names: c.371A>C, p.Gln124Pro (NM_001257158.2); c.323A>C, p.Gln108Pro (NM_001257159.2); short protein forms Q124P, Q108P.
Identifiers: ClinVar variation 2106574 (VCV002106574.4), dbSNP rs2536067295, ClinGen allele CA369289256.